The following is an entry in ClinVar:

NM_004991.4(MECOM):c.1430C>T (p.Ala477Val)

Gene: MECOM (MDS1 and EVI1 complex locus; minus strand). Cytogenetic location: 3q26.2.
Variant type: single nucleotide variant.
Coding change: c.1430C>T on transcript NM_004991.4 (MANE Select); coding-DNA position 1430, C replaced by T.
Protein change: p.Ala477Val; replaces alanine 477 with valine.
Molecular consequence: missense variant. On other transcripts: intron variant (2).
Genome position (GRCh38, 1-based): chr3:169,116,442, G>A on the plus strand (C>T on the coding strand, the complement: MECOM is on the minus strand). VCF-style: chr3-169116442-G-A. GRCh37 (hg19) VCF-style: chr3-168834230-G-A.
Other names: c.1061C>T, p.Ala354Val (NM_001105077.4); c.866C>T, p.Ala289Val (NM_001105078.4, NM_001164000.2, NM_001205194.2 and 4 more transcripts); c.869C>T, p.Ala290Val (NM_001163999.2, NM_001366467.2, NM_001366468.2 and 1 more transcripts); c.1430C>T, p.Ala477Val (NM_001366466.2); c.1133-675C>T (NM_001366473.2); c.569-675C>T (NM_001366474.2); short protein forms A290V, A477V, A289V, A354V.
Identifiers: ClinVar variation 4624716 (VCV004624716.1).
Genomic context (GRCh38, chr3:169,116,442, plus strand): 5'-GAAGGAAACAGACCAGGGAAGCTAAAAGAAAATCCAGGAGCTGTTGGAAAGGTAAGACCA[G>A]CAGGATGCCTATTGGCGCCAAAATAGTCAGCAAGGCCCGGGTTGGCATGACTCATATTAA-3'
Protein context (NP_004982.2, residues 467-487): ADYFGANRHP[Ala477Val]GLTFPTAPGF

ClinVar aggregate classification (germline): Uncertain significance (1 of 4 stars; one submission).

Conditions:
Inborn genetic diseases. Identifiers: MedGen C0950123, MeSH D030342.

gnomAD v4.1: 9 of 1,614,194 alleles (0.00056%); highest among the groups gnomAD compares: Non-Finnish European, 0.00076%; no homozygotes.

Submission:

Ambry Genetics
Classification: Uncertain significance for Inborn genetic diseases. Last evaluated: 2025-11-25. Review status: criteria provided, single submitter. Criteria: Ambry Variant Classification Scheme 2023. Collection method: clinical testing. Allele origin: germline.
Comment: The p.A477V variant (also known as c.1430C>T), located in coding exon 8 of the MECOM gene, results from a C to T substitution at nucleotide position 1430. The alanine at codon 477 is replaced by valine, an amino acid with similar properties. This amino acid position is conserved. In addition, this alteration is predicted to be tolerated by in silico analysis. Based on the available evidence, the clinical significance of this variant remains unclear.